The following is an entry in ClinVar:

NM_014363.6(SACS):c.5786G>A (p.Arg1929Gln)

Gene: SACS (sacsin molecular chaperone; minus strand). Cytogenetic location: 13q12.12.
Variant type: single nucleotide variant.
Coding change: c.5786G>A on transcript NM_014363.6 (MANE Select); coding-DNA position 5786, G replaced by A.
Protein change: p.Arg1929Gln; replaces arginine 1929 with glutamine.
Molecular consequence: missense variant.
Genome position (GRCh38, 1-based): chr13:23,338,090, C>T on the plus strand (G>A on the coding strand, the complement: SACS is on the minus strand). VCF-style: chr13-23338090-C-T. GRCh37 (hg19) VCF-style: chr13-23912229-C-T.
Other names: c.5786G>A (NM_014363.4); c.5345G>A, p.Arg1782Gln (NM_001278055.2); short protein forms R1782Q, R1929Q.
Identifiers: ClinVar variation 2643673 (VCV002643673.25), dbSNP rs1422351378, ClinGen allele CA387524778.

ClinVar aggregate classification (germline): Uncertain significance. Review status: criteria provided, multiple submitters, no conflicts (2 of 4 stars). 2 submissions from 2 submitters: Uncertain significance (2). Last evaluated 2025-09-11.

Conditions:
Inborn genetic diseases. Identifiers: MedGen C0950123, MeSH D030342.

Allele frequency attached by ClinVar (database versions not stated): gnomAD 0.00001; TOPMed 0.00001.
gnomAD v4.1: 17 of 1,613,910 alleles (0.0011%); highest among the groups gnomAD compares: South Asian, 0.0055%; no homozygotes.

Submissions (2):

Ambry Genetics
Classification: Uncertain significance for Inborn genetic diseases. Last evaluated: 2025-09-11. Review status: criteria provided, single submitter. Criteria: Ambry Variant Classification Scheme 2023. Collection method: clinical testing. Allele origin: germline.

CeGaT Center for Human Genetics Tuebingen
Classification: Uncertain significance. Last evaluated: 2023-01-01. Review status: criteria provided, single submitter. Criteria: CeGaT Center For Human Genetics Tuebingen Variant Classification Criteria Version 2. Collection method: clinical testing. Allele origin: germline. Affected: yes. Observed: 1 variant allele.
Comment: SACS: PM2, BP1